The following is an entry in ClinVar:

NM_001004334.4(GPR179):c.349G>A (p.Asp117Asn)

Gene: GPR179 (G protein-coupled receptor 179; minus strand). Cytogenetic location: 17q12.
Variant type: single nucleotide variant.
Coding change: c.349G>A on transcript NM_001004334.4 (MANE Select); coding-DNA position 349, G replaced by A.
Protein change: p.Asp117Asn; replaces aspartic acid 117 with asparagine.
Molecular consequence: missense variant.
Genome position (GRCh38, 1-based): chr17:38,343,441, C>T on the plus strand (G>A on the coding strand, the complement: GPR179 is on the minus strand). VCF-style: chr17-38343441-C-T. GRCh37 (hg19) VCF-style: chr17-36499324-C-T.
Other names: short protein forms D117N.
Identifiers: ClinVar variation 191075 (VCV000191075.5), dbSNP rs776996552, ClinGen allele CA235965.

ClinVar aggregate classification (germline): Uncertain significance. Review status: criteria provided, multiple submitters, no conflicts (2 of 4 stars). 4 submissions from 3 submitters: Uncertain significance (3). 1 of the submissions does not count toward it. Last evaluated 2024-03-29.

Conditions:
Congenital stationary night blindness 1E. Also called: Night blindness, congenital stationary (complete), 1E, autosomal recessive. Identifiers: Orphanet 215, MedGen C3281215, MONDO:0013807, OMIM 614565.

Allele frequency attached by ClinVar (database versions not stated): ExAC 0.00002; gnomAD exomes 0.00002; TOPMed 0.00002.
gnomAD v4.1: 66 of 1,614,116 alleles (0.0041%); highest among the groups gnomAD compares: Middle Eastern, 0.033%; no homozygotes.

Submissions (4):

Genomic Medicine Center of Excellence, King Faisal Specialist Hospital and Research Centre
Classification: Uncertain significance for Congenital stationary night blindness 1E. Last evaluated: 2024-03-29. Review status: criteria provided, single submitter. Criteria: ACMG Guidelines, 2015. Collection method: clinical testing. Allele origin: germline.

Blueprint Genetics
Classification: Uncertain significance. Last evaluated: 2023-12-05. Review status: criteria provided, single submitter. Criteria: ACMG Guidelines, 2015. Collection method: clinical testing. Allele origin: germline.

Labcorp Genetics (formerly Invitae), Labcorp
Classification: Uncertain significance. Last evaluated: 2022-05-04. Review status: criteria provided, single submitter. Criteria: Invitae Variant Classification Sherloc (09022015). Collection method: clinical testing. Allele origin: germline.
Comment: This sequence change replaces aspartic acid, which is acidic and polar, with asparagine, which is neutral and polar, at codon 117 of the GPR179 protein (p.Asp117Asn). This variant is present in population databases (rs776996552, gnomAD 0.007%). This missense change has been observed in individual(s) with clinical features of GPR179-related conditions (PMID: 26355662). ClinVar contains an entry for this variant (Variation ID: 191075). Algorithms developed to predict the effect of missense changes on protein structure and function are either unavailable or do not agree on the potential impact of this missense change (SIFT: "Deleterious"; PolyPhen-2: "Probably Damaging"; Align-GVGD: "Class C0"). In summary, the available evidence is currently insufficient to determine the role of this variant in disease. Therefore, it has been classified as a Variant of Uncertain Significance.

Genomic Medicine Center of Excellence, King Faisal Specialist Hospital and Research Centre
Classification: Likely pathogenic. Review status: flagged submission. Criteria: ACMG Guidelines, 2015. Collection method: research. Allele origin: germline. Affected: yes. Not counted in ClinVar's aggregate classification.
ClinVar note: Reason: This record appears to be redundant with a more recent record from the same submitter.
ClinVar note: Notes: SCV000221452 appears to be redundant with SCV004807731.

Literature cited by the submitters: PubMed 26355662 (cited by Labcorp Genetics (formerly Invitae), Labcorp).